The following is an entry in ClinVar:

NM_018834.6(MATR3):c.815C>G (p.Ala272Gly)

Gene: MATR3 (matrin 3; plus strand). Cytogenetic location: 5q31.2.
Variant type: single nucleotide variant.
Coding change: c.815C>G on transcript NM_018834.6 (MANE Select); coding-DNA position 815, C replaced by G.
Protein change: p.Ala272Gly; replaces alanine 272 with glycine.
Molecular consequence: missense variant. On other transcripts: intron variant (11).
Genome position (GRCh38, 1-based): chr5:139,308,230, C>G. VCF-style: chr5-139308230-C-G. GRCh37 (hg19) VCF-style: chr5-138643919-C-G.
Other names: c.815C>G, p.Ala272Gly (NM_001194954.2, NM_001194955.2, NM_001400441.1 and 16 more transcripts); c.52-6445C>G (NM_001400459.1); c.-102-6445C>G (NM_001400463.1, NM_001400460.1, NM_001282278.2 and 3 more transcripts); c.-40-7467C>G (NM_001400462.1, NM_001400467.1); c.13-6445C>G (NM_001400461.1); c.49-6445C>G (NM_001194956.2); short protein forms A272G.
Identifiers: ClinVar variation 2702751 (VCV002702751.3), dbSNP rs1476045080, ClinGen allele CA361488136.
Genomic context (GRCh38, chr5:139,308,230, plus strand): 5'-GAATGGGACGTGGTCCTGGCCCCTTACAAGAGAGATCTCTCTTTGAGAAAAAGAGAGGCG[C>G]TCCTCCAAGTAGCAATATTGAAGACTTCCATGGACTCTTACCGAAGGGTTATCCCCATCT-3'
Protein context (NP_061322.2, residues 262-282): ERSLFEKKRG[Ala272Gly]PPSSNIEDFH

ClinVar aggregate classification (germline): Uncertain significance (1 of 4 stars; one submission).

Conditions:
Amyotrophic lateral sclerosis type 21. Also called: VOCAL CORD AND PHARYNGEAL DYSFUNCTION WITH DISTAL MYOPATHY; MYOPATHY, DISTAL, 2. Identifiers: Orphanet 600, Orphanet 803, MedGen C3807521, MONDO:0011632, OMIM 606070.

Submission:

Labcorp Genetics (formerly Invitae), Labcorp
Classification: Uncertain significance for Amyotrophic lateral sclerosis type 21. Last evaluated: 2023-12-13. Review status: criteria provided, single submitter. Criteria: Invitae Variant Classification Sherloc (09022015). Collection method: clinical testing. Allele origin: germline.
Comment: This sequence change replaces alanine, which is neutral and non-polar, with glycine, which is neutral and non-polar, at codon 272 of the MATR3 protein (p.Ala272Gly). This variant is not present in population databases (gnomAD no frequency). This variant has not been reported in the literature in individuals affected with MATR3-related conditions. Advanced modeling of protein sequence and biophysical properties (such as structural, functional, and spatial information, amino acid conservation, physicochemical variation, residue mobility, and thermodynamic stability) performed at Invitae indicates that this missense variant is not expected to disrupt MATR3 protein function with a negative predictive value of 80%. In summary, the available evidence is currently insufficient to determine the role of this variant in disease. Therefore, it has been classified as a Variant of Uncertain Significance.